The following is an entry in ClinVar:

ClinVar aggregate classification (germline): Likely benign (0 of 4 stars; one submission).

Conditions:
BPTF-related disorder. Also called: BPTF-related condition.

Submission:

PreventionGenetics, part of Exact Sciences
Classification: Likely benign for BPTF-related condition. Last evaluated: 2022-11-03. Review status: no assertion criteria provided. Collection method: clinical testing. Allele origin: germline.
Comment: This variant is classified as likely benign based on ACMG/AMP sequence variant interpretation guidelines (Richards et al. 2015 PMID: 25741868, with internal and published modifications).

NM_182641.4(BPTF):c.69C>T (p.Ala23=)

Gene: BPTF (bromodomain PHD finger transcription factor; plus strand). Cytogenetic location: 17q24.2.
Variant type: single nucleotide variant.
Coding change: c.69C>T on transcript NM_182641.4 (MANE Select); coding-DNA position 69, C replaced by T.
Protein change: p.Ala23=; no amino-acid change (alanine 23 retained).
Molecular consequence: synonymous variant.
Genome position (GRCh38, 1-based): chr17:67,825,793, C>T. VCF-style: chr17-67825793-C-T. GRCh37 (hg19) VCF-style: chr17-65821909-C-T.
Other names: c.69C>T, p.Ala23= (NM_004459.7).
Identifiers: ClinVar variation 3043804 (VCV003043804.2), dbSNP rs2509368596, ClinGen allele CA501694059.